The following is an entry in ClinVar:

NM_001135254.2(PAX7):c.655C>T (p.Arg219Cys)

Gene: PAX7 (paired box 7; plus strand). Cytogenetic location: 1p36.13.
Variant type: single nucleotide variant.
Coding change: c.655C>T on transcript NM_001135254.2 (MANE Select); coding-DNA position 655, C replaced by T.
Protein change: p.Arg219Cys; replaces arginine 219 with cysteine.
Molecular consequence: missense variant.
Genome position (GRCh38, 1-based): chr1:18,691,822, C>T. VCF-style: chr1-18691822-C-T. GRCh37 (hg19) VCF-style: chr1-19018316-C-T.
Other names: c.655C>T, p.Arg219Cys (NM_002584.3); c.649C>T, p.Arg217Cys (NM_013945.3); short protein forms R217C, R219C.
Identifiers: ClinVar variation 3030646 (VCV003030646.3), dbSNP rs2089074781, ClinGen allele CA338289121.

ClinVar aggregate classification (germline): Uncertain significance. Review status: criteria provided, single submitter (1 of 4 stars). 2 submissions from 2 submitters: Uncertain significance (1). 1 of the submissions does not count toward it. Last evaluated 2025-01-08.

Conditions:
PAX7-related disorder. Also called: PAX7-related condition.

Allele frequency attached by ClinVar (database versions not stated): TOPMed below 0.00001; gnomAD exomes 0.00001.
gnomAD v4.1: 8 of 1,612,466 alleles (0.0005%); highest among the groups gnomAD compares: African/African-American, 0.0013%; no homozygotes.

Submissions (2):

Revvity Omics, Revvity
Classification: Uncertain significance. Last evaluated: 2025-01-08. Review status: criteria provided, single submitter. Criteria: ACMG Guidelines, 2015. Collection method: clinical testing. Allele origin: germline.

PreventionGenetics, part of Exact Sciences
Classification: Uncertain significance for PAX7-related condition. Last evaluated: 2024-01-19. Review status: no assertion criteria provided. Collection method: clinical testing. Allele origin: germline. Not counted in ClinVar's aggregate classification.
Comment: The PAX7 c.655C>T variant is predicted to result in the amino acid substitution p.Arg219Cys. To our knowledge, this variant has not been reported in the literature or in a large population database, indicating this variant is rare. At this time, the clinical significance of this variant is uncertain due to the absence of conclusive functional and genetic evidence.